The following is an entry in ClinVar:

NM_005157.6(ABL1):c.1516G>C (p.Val506Leu)

Gene: ABL1 (ABL proto-oncogene 1, non-receptor tyrosine kinase; plus strand). Cytogenetic location: 9q34.12.
Variant type: single nucleotide variant.
Coding change: c.1516G>C on transcript NM_005157.6 (MANE Select); coding-DNA position 1516, G replaced by C.
Protein change: p.Val506Leu; replaces valine 506 with leucine.
Molecular consequence: missense variant.
Genome position (GRCh38, 1-based): chr9:130,880,502, G>C. VCF-style: chr9-130880502-G-C. GRCh37 (hg19) VCF-style: chr9-133755889-G-C.
Other names: c.1573G>C, p.Val525Leu (NM_007313.3); short protein forms V525L, V506L.
Identifiers: ClinVar variation 2782137 (VCV002782137.3), dbSNP rs1831432715, ClinGen allele CA375251756.

ClinVar aggregate classification (germline): Uncertain significance (1 of 4 stars; one submission).

Submission:

Labcorp Genetics (formerly Invitae), Labcorp
Classification: Uncertain significance. Last evaluated: 2022-11-10. Review status: criteria provided, single submitter. Criteria: Invitae Variant Classification Sherloc (09022015). Collection method: clinical testing. Allele origin: germline.
Comment: In summary, the available evidence is currently insufficient to determine the role of this variant in disease. Therefore, it has been classified as a Variant of Uncertain Significance. Algorithms developed to predict the effect of sequence changes on RNA splicing suggest that this variant may disrupt the consensus splice site. Experimental studies have shown that this missense change affects ABL1 function (PMID: 20072125). Algorithms developed to predict the effect of missense changes on protein structure and function (SIFT, PolyPhen-2, Align-GVGD) all suggest that this variant is likely to be disruptive. This variant is also known as V506L. This variant has not been reported in the literature in individuals affected with ABL1-related conditions. This variant is not present in population databases (gnomAD no frequency). This sequence change replaces valine, which is neutral and non-polar, with leucine, which is neutral and non-polar, at codon 525 of the ABL1 protein (p.Val525Leu).

Literature cited by the submitters: PubMed 20072125.